The following is an entry in ClinVar:

NC_000014.8:g.(?_96904152)_(96904272_?)dup

Gene: AK7 (adenylate kinase 7; plus strand). Cytogenetic location: 14q32.2.
Variant type: Duplication.
Identifiers: ClinVar variation 1445401 (VCV001445401.4).

ClinVar aggregate classification (germline): Uncertain significance (1 of 4 stars; one submission).

Submission:

Labcorp Genetics (formerly Invitae), Labcorp
Classification: Uncertain significance. Last evaluated: 2023-08-10. Review status: criteria provided, single submitter. Criteria: Invitae Variant Classification Sherloc (09022015). Collection method: clinical testing. Allele origin: germline.
Comment: This variant results in a copy number gain of the genomic region encompassing exon(s) 6 of the AK7 gene. While the exact position of this variant cannot be determined from the data, sub-genic copy number gains are generally in tandem (PMID: 25640679). This variant is predicted to be in-frame, and likely preserves the integrity of the reading frame. This variant has not been reported in the literature in individuals affected with AK7-related conditions. Experimental studies and prediction algorithms are not available or were not evaluated, and the functional significance of this variant is currently unknown. In summary, the available evidence is currently insufficient to determine the role of this variant in disease. Therefore, it has been classified as a Variant of Uncertain Significance.

Literature cited by the submitters: PubMed 25640679.